The following is an entry in ClinVar:

NM_080916.3(DGUOK):c.796C>T (p.Leu266Phe)

Genes: DGUOK (deoxyguanosine kinase; plus strand), DGUOK-AS1 (DGUOK antisense RNA 1; minus strand). Cytogenetic location: 2p13.1.
Variant type: single nucleotide variant.
Coding change: c.796C>T on transcript NM_080916.3 (MANE Select); coding-DNA position 796, C replaced by T.
Protein change: p.Leu266Phe; replaces leucine 266 with phenylalanine.
Molecular consequence: missense variant. On other transcripts: non-coding transcript variant (6).
Genome position (GRCh38, 1-based): chr2:73,958,234, C>T. VCF-style: chr2-73958234-C-T. GRCh37 (hg19) VCF-style: chr2-74185361-C-T.
Other names: c.514C>T, p.Leu172Phe (NM_001318859.2); c.505C>T, p.Leu169Phe (NM_001318860.2, NM_001318861.2); c.487C>T, p.Leu163Phe (NM_001318862.2, NM_001318863.2); c.532C>T, p.Leu178Phe (NM_080918.3); short protein forms L266F, L163F, L169F, L172F, L178F.
Identifiers: ClinVar variation 2040263 (VCV002040263.2), dbSNP rs989266462, ClinGen allele CA50410814.

ClinVar aggregate classification (germline): Uncertain significance (1 of 4 stars; one submission).

Allele frequency attached by ClinVar (database versions not stated): gnomAD exomes below 0.00001; TOPMed below 0.00001.
gnomAD v4.1: 1 of 1,612,926 alleles (0.000062%); highest among the groups gnomAD compares: Non-Finnish European, 0.000085%; no homozygotes.

Submission:

Labcorp Genetics (formerly Invitae), Labcorp
Classification: Uncertain significance. Last evaluated: 2023-04-24. Review status: criteria provided, single submitter. Criteria: Invitae Variant Classification Sherloc (09022015). Collection method: clinical testing. Allele origin: germline.
Comment: In summary, the available evidence is currently insufficient to determine the role of this variant in disease. Therefore, it has been classified as a Variant of Uncertain Significance. Advanced modeling of protein sequence and biophysical properties (such as structural, functional, and spatial information, amino acid conservation, physicochemical variation, residue mobility, and thermodynamic stability) performed at Invitae indicates that this missense variant is not expected to disrupt DGUOK protein function. ClinVar contains an entry for this variant (Variation ID: 2040263). This variant has not been reported in the literature in individuals affected with DGUOK-related conditions. This variant is not present in population databases (gnomAD no frequency). This sequence change replaces leucine, which is neutral and non-polar, with phenylalanine, which is neutral and non-polar, at codon 266 of the DGUOK protein (p.Leu266Phe).